The following is an entry in ClinVar:

NM_000748.3(CHRNB2):c.1273C>T (p.Arg425Trp)

Gene: CHRNB2 (cholinergic receptor nicotinic beta 2 subunit; plus strand). Cytogenetic location: 1q21.3.
Variant type: single nucleotide variant.
Coding change: c.1273C>T on transcript NM_000748.3 (MANE Select); coding-DNA position 1273, C replaced by T.
Protein change: p.Arg425Trp; replaces arginine 425 with tryptophan.
Molecular consequence: missense variant.
Genome position (GRCh38, 1-based): chr1:154,572,096, C>T. VCF-style: chr1-154572096-C-T. GRCh37 (hg19) VCF-style: chr1-154544572-C-T.
Other names: short protein forms R425W.
Identifiers: ClinVar variation 423700 (VCV000423700.38), dbSNP rs77710036, ClinGen allele CA16616989.

ClinVar aggregate classification (germline): Conflicting classifications of pathogenicity. Review status: criteria provided, conflicting classifications (1 of 4 stars). 4 submissions from 4 submitters: Uncertain significance (3); Likely benign (1). Last evaluated 2026-01-05.

Conditions:
Familial sleep-related hypermotor epilepsy. Also called: Autosomal Dominant Sleep-Related Hypermotor (Hyperkinetic) Epilepsy. Identifiers: Orphanet 98784, MedGen C3696898, MONDO:0000030.
Inborn genetic diseases. Identifiers: MedGen C0950123, MeSH D030342.

Allele frequency attached by ClinVar (database versions not stated): gnomAD exomes 0.00003; gnomAD 0.00005; TOPMed 0.00009.
gnomAD v4.1: 28 of 1,536,524 alleles (0.0018%); highest among the groups gnomAD compares: African/African-American, 0.0041%; no homozygotes.

Submissions (4):

Labcorp Genetics (formerly Invitae), Labcorp
Classification: Uncertain significance. Last evaluated: 2026-01-05. Review status: criteria provided, single submitter. Criteria: Invitae Variant Classification Sherloc (09022015). Collection method: clinical testing. Allele origin: germline.
Comment: This sequence change replaces arginine, which is basic and polar, with tryptophan, which is neutral and slightly polar, at codon 425 of the CHRNB2 protein (p.Arg425Trp). The frequency data for this variant in the population databases is considered unreliable, as metrics indicate poor data quality at this position in the gnomAD database. This variant has not been reported in the literature in individuals affected with CHRNB2-related conditions. ClinVar contains an entry for this variant (Variation ID: 423700). Invitae Evidence Modeling of protein sequence and biophysical properties (such as structural, functional, and spatial information, amino acid conservation, physicochemical variation, residue mobility, and thermodynamic stability) indicates that this missense variant is not expected to disrupt CHRNB2 protein function with a negative predictive value of 80%. In summary, the available evidence is currently insufficient to determine the role of this variant in disease. Therefore, it has been classified as a Variant of Uncertain Significance.

Ambry Genetics
Classification: Likely benign for Inborn genetic diseases. Last evaluated: 2024-06-17. Review status: criteria provided, single submitter. Criteria: Ambry Variant Classification Scheme 2023. Collection method: clinical testing. Allele origin: germline.

CeGaT Center for Human Genetics Tuebingen
Classification: Uncertain significance. Last evaluated: 2022-11-01. Review status: criteria provided, single submitter. Criteria: CeGaT Center For Human Genetics Tuebingen Variant Classification Criteria Version 2. Collection method: clinical testing. Allele origin: germline. Affected: yes. Observed: 1 variant allele.
Comment: CHRNB2: PP2

GeneDx
Classification: Uncertain significance. Last evaluated: 2017-02-17. Review status: criteria provided, single submitter. Criteria: GeneDx Variant Classification (06012015). Collection method: clinical testing. Allele origin: germline. Affected: yes.
Comment: A variant of uncertain significance has been identified in the CHRNB2 gene. The R425W variant has not been published as a pathogenic variant, nor has it been reported as a benign variant to our knowledge. The R425W variant is not observed in large population cohorts; however, limited data are available (Lek et al., 2016; 1000 Genomes Consortium et al., 2015; Exome Variant Server). The R425W variant is a non-conservative amino acid substitution, which is likely to impact secondary protein structure as these residues differ in polarity, charge, size and/or other properties. However, this substitution occurs at a position that is not conserved. In silico analysis is inconsistent in its predictions as to whether or not the variant is damaging to the protein structure/function. Therefore, based on the currently available information, it is unclear whether this variant is a pathogenic variant or a rare benign variant.